The following is an entry in ClinVar:

NM_023110.3(FGFR1):c.*1053G>A

Genes: FGFR1 (fibroblast growth factor receptor 1; minus strand), LOC102723716 (uncharacterized LOC102723716; minus strand). Cytogenetic location: 8p11.23.
Variant type: single nucleotide variant.
Coding change: c.*1053G>A on transcript NM_023110.3 (MANE Select); 1053 bases downstream of the stop codon, G replaced by A.
Molecular consequence: 3 prime UTR variant. On other transcripts: non-coding transcript variant (1), synonymous variant (3).
Genome position (GRCh38, 1-based): chr8:38,412,575, C>T on the plus strand (G>A on the coding strand, the complement: FGFR1 is on the minus strand). VCF-style: chr8-38412575-C-T. GRCh37 (hg19) VCF-style: chr8-38270093-C-T.
Other names: c.*1053G>A (NM_001174063.2, NM_001174064.2, NM_001174065.2 and 7 more transcripts); c.2307G>A, p.Thr769= (NM_001354367.2); c.2301G>A, p.Thr767= (NM_001354369.2); c.2040G>A, p.Thr680= (NM_001354370.2).
Identifiers: ClinVar variation 3771482 (VCV003771482.13).
Genomic context (GRCh38, chr8:38,412,575, plus strand): 5'-TCGAAGCAGACATCTTCTTTTTCTGACTTTCCAAAAGCAGCGGAGAGGCAGGAGGTGCGT[C>T]GTGAGGTCTGGGTGCAGGACCTAGGAAGAAGAGGTTACAAGGAACCTGCGCCGGGAGCAT-3'

ClinVar aggregate classification (germline): Likely benign (1 of 4 stars; one submission).

gnomAD v4.1: 18 of 233,520 alleles (0.0077%); highest among the groups gnomAD compares: South Asian, 0.036%; no homozygotes.

Submission:

CeGaT Center for Human Genetics Tuebingen
Classification: Likely benign. Last evaluated: 2025-01-01. Review status: criteria provided, single submitter. Criteria: CeGaT Center For Human Genetics Tuebingen Variant Classification Criteria Version 2. Collection method: clinical testing. Allele origin: germline. Affected: yes. Observed: 1 variant allele.
Comment: FGFR1: BP4, BP7